The following is an entry in ClinVar:

ClinVar aggregate classification (germline): Uncertain significance (1 of 4 stars; one submission).

gnomAD v4.1: 4 of 1,548,748 alleles (0.00026%); highest among the groups gnomAD compares: African/African-American, 0.0014%; no homozygotes.

Submission:

Labcorp Genetics (formerly Invitae), Labcorp
Classification: Uncertain significance. Last evaluated: 2026-01-27. Review status: criteria provided, single submitter. Criteria: Invitae Variant Classification Sherloc (09022015). Collection method: clinical testing. Allele origin: germline.
Comment: This sequence change replaces phenylalanine, which is neutral and non-polar, with leucine, which is neutral and non-polar, at codon 367 of the COL4A2 protein (p.Phe367Leu). This variant is not present in population databases (gnomAD no frequency). This variant has not been reported in the literature in individuals affected with COL4A2-related conditions. Invitae Evidence Modeling of protein sequence and biophysical properties (such as structural, functional, and spatial information, amino acid conservation, physicochemical variation, residue mobility, and thermodynamic stability) indicates that this missense variant is not expected to disrupt COL4A2 protein function with a negative predictive value of 95%. In summary, the available evidence is currently insufficient to determine the role of this variant in disease. Therefore, it has been classified as a Variant of Uncertain Significance.

NM_001846.4(COL4A2):c.1099T>C (p.Phe367Leu)

Gene: COL4A2 (collagen type IV alpha 2 chain; plus strand). Cytogenetic location: 13q34.
Variant type: single nucleotide variant.
Coding change: c.1099T>C on transcript NM_001846.4 (MANE Select); coding-DNA position 1099, T replaced by C.
Protein change: p.Phe367Leu; replaces phenylalanine 367 with leucine.
Molecular consequence: missense variant.
Genome position (GRCh38, 1-based): chr13:110,449,699, T>C. VCF-style: chr13-110449699-T-C. GRCh37 (hg19) VCF-style: chr13-111102046-T-C.
Other names: short protein forms F367L.
Identifiers: ClinVar variation 4708376 (VCV004708376.1).
Genomic context (GRCh38, chr13:110,449,699, plus strand): 5'-CACGGTCTTGTTCTTACTGTGGGACTTGTTTCCCTTCCAGGTGCCAGAGGTGACCCGGGA[T>C]TCCCAGGGGCCCAAGGGGAGCCAGGAAGCCAGGGTGAGCCAGGAGACCCGGGCCTCCCAG-3'
Protein context (NP_001837.2, residues 357-377): LAKGARGDPG[Phe367Leu]PGAQGEPGSQ